The following is an entry in ClinVar:

ClinVar aggregate classification (germline): Uncertain significance (1 of 4 stars; one submission).

Conditions:
Cardiovascular phenotype. Identifiers: MedGen CN230736.

Submission:

Ambry Genetics
Classification: Uncertain significance for Cardiovascular phenotype. Last evaluated: 2026-07-26. Review status: criteria provided, single submitter. Criteria: Ambry Variant Classification Scheme 2023. Collection method: clinical testing. Allele origin: germline.
Comment: The p.V1038G variant (also known as c.3113T>G), located in coding exon 8 of the AKAP9 gene, results from a T to G substitution at nucleotide position 3113. The valine at codon 1038 is replaced by glycine, an amino acid with dissimilar properties. This amino acid position is conserved. In addition, this alteration is predicted to be tolerated by in silico analysis. Based on the available evidence, the clinical significance of this variant remains unclear.

NM_005751.5(AKAP9):c.3113T>G (p.Val1038Gly)

Gene: AKAP9 (A-kinase anchoring protein 9; plus strand). Cytogenetic location: 7q21.2.
Variant type: single nucleotide variant.
Coding change: c.3113T>G on transcript NM_005751.5 (MANE Select); coding-DNA position 3113, T replaced by G.
Protein change: p.Val1038Gly; replaces valine 1038 with glycine.
Molecular consequence: missense variant.
Genome position (GRCh38, 1-based): chr7:92,003,030, T>G. VCF-style: chr7-92003030-T-G. GRCh37 (hg19) VCF-style: chr7-91632344-T-G.
Other names: c.3113T>G, p.Val1038Gly (NM_147185.3); short protein forms V1038G.
Identifiers: ClinVar variation 5033993 (VCV005033993.1).